The following is an entry in ClinVar:

NM_001271.4(CHD2):c.4278+27A>G

Gene: CHD2 (chromodomain helicase DNA binding protein 2; plus strand). Cytogenetic location: 15q26.1.
Variant type: single nucleotide variant.
Coding change: c.4278+27A>G on transcript NM_001271.4 (MANE Select); 27 bases into the intron after coding-DNA position 4278, A replaced by G.
Molecular consequence: intron variant.
Genome position (GRCh38, 1-based): chr15:93,002,344, A>G. VCF-style: chr15-93002344-A-G. GRCh37 (hg19) VCF-style: chr15-93545574-A-G.
Other names: NC_000015.9:g.93545574A>G.
Identifiers: ClinVar variation 676983 (VCV000676983.5), dbSNP rs2272456, ClinGen allele CA7748428.

ClinVar aggregate classification (germline): Benign. Review status: criteria provided, multiple submitters, no conflicts (2 of 4 stars). 3 submissions from 3 submitters: Benign (3). Last evaluated 2024-07-15.

Allele frequency attached by ClinVar (database versions not stated): ESP Exome Variant Server 0.00062; gnomAD exomes 0.00339 and 0.01414; gnomAD 0.00792 and 0.00811; ExAC 0.01359; 1000 Genomes Project 0.01458; TOPMed 0.01468; 1000 Genomes Project 30x 0.01624.
gnomAD v4.1: 6,176 of 1,581,544 alleles (0.39%); highest among the groups gnomAD compares: Admixed American, 10%; 356 homozygotes.

Submissions (14):

Unidad de Genómica Garrahan, Hospital de Pediatría Garrahan
Classification: Benign. Last evaluated: 2024-07-15. Review status: criteria provided, single submitter. Criteria: ACMG Guidelines, 2015. Collection method: clinical testing. Allele origin: germline. Affected: no. Observed: 25 variant alleles.
Comment: This variant is classified as Benign based on local population frequency. This variant was detected in 27% of patients studied in a panel designed for Epileptic and Developmental Encephalopathy and Progressive Myoclonus Epilepsy. Number of patients: 25. Only high quality variants are reported.

GeneDx
Classification: Benign. Last evaluated: 2018-06-16. Review status: criteria provided, single submitter. Criteria: GeneDx Variant Classification (06012015). Collection method: clinical testing. Allele origin: germline. Affected: yes.
Comment: This variant is considered likely benign or benign based on one or more of the following criteria: it is a conservative change, it occurs at a poorly conserved position in the protein, it is predicted to be benign by multiple in silico algorithms, and/or has population frequency not consistent with disease.

Breakthrough Genomics
Classification: Benign. Review status: criteria provided, single submitter. Criteria: ACMG Guidelines, 2015. Collection method: not provided. Allele origin: germline. Inheritance: Autosomal dominant inheritance. Affected: yes.

Dr. Peter K. Rogan Lab, Western University
No classification provided (evidence only). Condition: Familial cancer of breast. Review status: no classification provided. Collection method: in vitro. Allele origin: not applicable. Functional consequence: retained intron. Not counted in ClinVar's aggregate classification.

Dr. Peter K. Rogan Lab, Western University
No classification provided (evidence only). Condition: Familial cancer of breast. Review status: no classification provided. Collection method: in vitro. Allele origin: not applicable. Functional consequence: retained intron. Not counted in ClinVar's aggregate classification.

Dr. Peter K. Rogan Lab, Western University
No classification provided (evidence only). Condition: Cervical cancer. Review status: no classification provided. Collection method: in vitro. Allele origin: not applicable. Functional consequence: retained intron. Not counted in ClinVar's aggregate classification.

Dr. Peter K. Rogan Lab, Western University
No classification provided (evidence only). Condition: Cervical cancer. Review status: no classification provided. Collection method: in vitro. Allele origin: not applicable. Functional consequence: retained intron. Not counted in ClinVar's aggregate classification.

Dr. Peter K. Rogan Lab, Western University
No classification provided (evidence only). Condition: Sarcoma. Review status: no classification provided. Collection method: in vitro. Allele origin: not applicable. Functional consequence: retained intron. Not counted in ClinVar's aggregate classification.

Dr. Peter K. Rogan Lab, Western University
No classification provided (evidence only). Condition: Malignant lymphoma, large B-cell, diffuse. Review status: no classification provided. Collection method: in vitro. Allele origin: not applicable. Functional consequence: retained intron. Not counted in ClinVar's aggregate classification.

Dr. Peter K. Rogan Lab, Western University
No classification provided (evidence only). Condition: Ovarian serous cystadenocarcinoma. Review status: no classification provided. Collection method: in vitro. Allele origin: not applicable. Functional consequence: retained intron. Not counted in ClinVar's aggregate classification.

Dr. Peter K. Rogan Lab, Western University
No classification provided (evidence only). Condition: Gastric cancer. Review status: no classification provided. Collection method: in vitro. Allele origin: not applicable. Functional consequence: retained intron. Not counted in ClinVar's aggregate classification.

Dr. Peter K. Rogan Lab, Western University
No classification provided (evidence only). Condition: Gastric cancer. Review status: no classification provided. Collection method: in vitro. Allele origin: not applicable. Functional consequence: retained intron. Not counted in ClinVar's aggregate classification.

Dr. Peter K. Rogan Lab, Western University
No classification provided (evidence only). Condition: Gastric cancer. Review status: no classification provided. Collection method: in vitro. Allele origin: not applicable. Functional consequence: retained intron. Not counted in ClinVar's aggregate classification.

Dr. Peter K. Rogan Lab, Western University
No classification provided (evidence only). Condition: Malignant tumor of esophagus. Review status: no classification provided. Collection method: in vitro. Allele origin: not applicable. Functional consequence: skipped exon, retained intron. Not counted in ClinVar's aggregate classification.